The following is an entry in ClinVar:

NM_014244.5(ADAMTS2):c.78_79insTATAAGAGACAGT (p.Leu27fs)

Gene: ADAMTS2 (ADAM metallopeptidase with thrombospondin type 1 motif 2; minus strand). Cytogenetic location: 5q35.3.
Variant type: Insertion.
Coding change: c.78_79insTATAAGAGACAGT on transcript NM_014244.5 (MANE Select); coding-DNA positions 78 to 79, TATAAGAGACAGT inserted.
Protein change: p.Leu27fs; shifts the reading frame from leucine 27.
Molecular consequence: frameshift variant.
Genome position: GRCh38 VCF-style: chr5-179345250-G-GACTGTCTCTTATA. GRCh37 (hg19) VCF-style: chr5-178772251-G-GACTGTCTCTTATA.
Other names: c.78_79insTATAAGAGACAGT, p.Leu27fs (NM_021599.4); short protein forms L27fs.
Identifiers: ClinVar variation 5010578 (VCV005010578.1).

ClinVar aggregate classification (germline): Pathogenic (1 of 4 stars; one submission).

Conditions:
Ehlers-Danlos syndrome, dermatosparaxis type. Also called: EDS VIIC; Dermatosparaxis; Ehlers-Danlos syndrome, type VII, autosomal recessive. Identifiers: Orphanet 1901, MedGen C2700425, MONDO:0009161, OMIM 225410.

Submission:

Myriad Genetics, Inc.
Classification: Pathogenic for Ehlers-Danlos syndrome, dermatosparaxis type. Last evaluated: 2024-05-14. Review status: criteria provided, single submitter. Criteria: Myriad Autosomal Dominant, Autosomal Recessive and X-Linked Classification Criteria (2023). Collection method: clinical testing. Allele origin: unknown.
Comment: NM_014244.4(ADAMTS2):c.78_79ins13(L27Yfs*43) is expected to be pathogenic in the context of Ehlers-Danlos syndrome, ADAMTS2-related. This variant is predicted to lead to an abnormal or absent protein product due to the creation of a premature termination codon in ADAMTS2, a gene where loss-of-function variants are known to be pathogenic. Please note: this variant was assessed in the context of healthy population screening.